The following is an entry in ClinVar:

ClinVar aggregate classification (germline): Likely pathogenic (1 of 4 stars; one submission).

Conditions:
Cystic fibrosis (CF). Also called: MUCOVISCIDOSIS. Identifiers: Orphanet 586, MedGen C0010674, MONDO:0009061, OMIM 219700. Disease mechanism: loss of function.

Submission:

Institute of Human Genetics, University of Leipzig Medical Center
Classification: Likely pathogenic for Cystic fibrosis. Last evaluated: 2022-09-05. Review status: criteria provided, single submitter. Criteria: ACMG Guidelines, 2015. Collection method: curation. Allele origin: unknown. Affected: yes. Observed: 1 variant allele.
Comment: The variant was classified in the context of a project re-classifying variants in the German Cystic Fibrosis Registry (Muko.e.V.). Criteria applied: PVS1_STR, PM2_SUP, PP4

NM_000492.4(CFTR):c.3469-1G>C

Genes: CFTR (CF transmembrane conductance regulator; plus strand), CFTR-AS2 (CFTR antisense RNA 2; minus strand). Cytogenetic location: 7q31.2.
Variant type: single nucleotide variant.
Coding change: c.3469-1G>C on transcript NM_000492.4 (MANE Select); the canonical splice acceptor site of the intron before coding-DNA position 3469, G replaced by C.
Molecular consequence: splice acceptor variant.
Genome position (GRCh38, 1-based): chr7:117,627,521, G>C. VCF-style: chr7-117627521-G-C. GRCh37 (hg19) VCF-style: chr7-117267575-G-C.
Identifiers: ClinVar variation 1706014 (VCV001706014.1), dbSNP rs2485146025, ClinGen allele CA368995887.